The following is an entry in ClinVar:

ClinVar aggregate classification (germline): Uncertain significance (1 of 4 stars; one submission).

Conditions:
Absence seizure. Also called: Absence epilepsy. Identifiers: Orphanet 1941, MedGen C0014553.
Myoclonic epilepsy, juvenile, susceptibility to, 1. Also called: Myoclonic Epilepsy, Juvenile, 1; EJM1. Identifiers: MedGen C1850778, MONDO:0020752, OMIM 254770.

Submission:

Labcorp Genetics (formerly Invitae), Labcorp
Classification: Uncertain significance for Myoclonic epilepsy, juvenile, susceptibility to, 1; Absence seizure. Last evaluated: 2019-02-18. Review status: criteria provided, single submitter. Criteria: Invitae Variant Classification Sherloc (09022015). Collection method: clinical testing. Allele origin: germline.
Comment: In summary, the available evidence is currently insufficient to determine the role of this variant in disease. Therefore, it has been classified as a Variant of Uncertain Significance. Algorithms developed to predict the effect of missense changes on protein structure and function output the following: SIFT: "Tolerated"; PolyPhen-2: "Benign"; Align-GVGD: "Class C0". The asparagine amino acid residue is found in multiple mammalian species, suggesting that this missense change does not adversely affect protein function. These predictions have not been confirmed by published functional studies and their clinical significance is uncertain. This variant has not been reported in the literature in individuals with EFHC1-related conditions. This variant is not present in population databases (ExAC no frequency). This sequence change replaces aspartic acid with asparagine at codon 283 of the EFHC1 protein (p.Asp283Asn). The aspartic acid residue is moderately conserved and there is a small physicochemical difference between aspartic acid and asparagine.

NM_018100.4(EFHC1):c.847G>A (p.Asp283Asn)

Gene: EFHC1 (EF-hand domain containing 1; plus strand). Cytogenetic location: 6p12.2.
Variant type: single nucleotide variant.
Coding change: c.847G>A on transcript NM_018100.4 (MANE Select); coding-DNA position 847, G replaced by A.
Protein change: p.Asp283Asn; replaces aspartic acid 283 with asparagine.
Molecular consequence: missense variant. On other transcripts: non-coding transcript variant (1).
Genome position (GRCh38, 1-based): chr6:52,454,218, G>A. VCF-style: chr6-52454218-G-A. GRCh37 (hg19) VCF-style: chr6-52319016-G-A.
Other names: c.790G>A, p.Asp264Asn (NM_001172420.2); short protein forms D264N, D283N.
Identifiers: ClinVar variation 846071 (VCV000846071.11), dbSNP rs1284999394, ClinGen allele CA364452814.